The following is an entry in ClinVar:

ClinVar aggregate classification (germline): Uncertain significance. Review status: criteria provided, multiple submitters, no conflicts (2 of 4 stars). 3 submissions from 3 submitters: Uncertain significance (3). Last evaluated 2026-01-11.

Conditions:
Ehlers-Danlos syndrome, classic-like, 2. Identifiers: Orphanet 536532, MedGen C4693870, MONDO:0054813, OMIM 618000.

Allele frequency attached by ClinVar (database versions not stated): ExAC 0.00002; gnomAD exomes 0.00003 and 0.00004; TOPMed 0.00003; gnomAD 0.00005; ESP Exome Variant Server 0.00015.

Submissions (3):

Labcorp Genetics (formerly Invitae), Labcorp
Classification: Uncertain significance. Last evaluated: 2026-01-11. Review status: criteria provided, single submitter. Criteria: Invitae Variant Classification Sherloc (09022015). Collection method: clinical testing. Allele origin: germline.
Comment: This sequence change replaces serine, which is neutral and polar, with glycine, which is neutral and non-polar, at codon 566 of the AEBP1 protein (p.Ser566Gly). This variant is present in population databases (rs148240925, gnomAD 0.006%). This variant has not been reported in the literature in individuals affected with AEBP1-related conditions. ClinVar contains an entry for this variant (Variation ID: 1369952). An algorithm developed to predict the effect of missense changes on protein structure and function (PolyPhen-2) suggests that this variant is likely to be tolerated. In summary, the available evidence is currently insufficient to determine the role of this variant in disease. Therefore, it has been classified as a Variant of Uncertain Significance.

Women's Health and Genetics/Laboratory Corporation of America, LabCorp
Classification: Uncertain significance. Last evaluated: 2025-01-06. Review status: criteria provided, single submitter. Criteria: LabCorp Variant Classification Summary - May 2015. Collection method: clinical testing. Allele origin: germline.
Comment: Variant summary: AEBP1 c.1696A>G (p.Ser566Gly) results in a non-conservative amino acid change located in the Zn_pept (IPR000834) of the encoded protein sequence. Three of five in-silico tools predict a damaging effect of the variant on protein function. The variant allele was found at a frequency of 2.8e-05 in 179606 control chromosomes. The available data on variant occurrences in the general population are insufficient to allow any conclusion about variant significance. To our knowledge, no occurrence of c.1696A>G in individuals affected with Ehlers-Danlos syndrome, classic-like, 2 and no experimental evidence demonstrating its impact on protein function have been reported. ClinVar contains an entry for this variant (Variation ID: 1369952). Based on the evidence outlined above, the variant was classified as uncertain significance.

Clinical Genomics Laboratory, Washington University in St. Louis
Classification: Uncertain significance for Ehlers-Danlos syndrome, classic-like, 2. Last evaluated: 2024-01-30. Review status: criteria provided, single submitter. Criteria: ACMG Guidelines, 2015. Collection method: clinical testing. Allele origin: germline.
Comment: The AEBP1 c.1696A>G (p.Ser566Gly) variant, to our knowledge, has not been reported in the medical literature. This variant is only observed on 5 out of 179,606 alleles in the general population (gnomAD v.2.1.1), indicating it is not a common variant. Computational predictors suggest that the variant does not impact AEBP1 function. This variant has been reported in the ClinVar database as a germline variant of uncertain significance by one submitter. Due to limited information, and based on ACMG/AMP guidelines for variant interpretation (Richards S et al., PMID: 25741868), the clinical significance of this variant is uncertain at this time.

NM_001129.5(AEBP1):c.1696A>G (p.Ser566Gly)

Gene: AEBP1 (AE binding protein 1; plus strand). Cytogenetic location: 7p13.
Variant type: single nucleotide variant.
Coding change: c.1696A>G on transcript NM_001129.5 (MANE Select); coding-DNA position 1696, A replaced by G.
Protein change: p.Ser566Gly; replaces serine 566 with glycine.
Molecular consequence: missense variant.
Genome position (GRCh38, 1-based): chr7:44,111,219, A>G. VCF-style: chr7-44111219-A-G. GRCh37 (hg19) VCF-style: chr7-44150818-A-G.
Other names: short protein forms S566G.
Identifiers: ClinVar variation 1369952 (VCV001369952.10), dbSNP rs148240925, ClinGen allele CA4237964.